The following is an entry in ClinVar:

ClinVar aggregate classification (germline): Likely benign (1 of 4 stars; one submission).

Allele frequency attached by ClinVar (database versions not stated): ExAC 0.00061; ESP Exome Variant Server 0.00151; TOPMed 0.00164; gnomAD 0.00180; 1000 Genomes Project 0.00359; 1000 Genomes Project 30x 0.00422.

Submission:

CeGaT Center for Human Genetics Tuebingen
Classification: Likely benign. Last evaluated: 2023-09-01. Review status: criteria provided, single submitter. Criteria: CeGaT Center For Human Genetics Tuebingen Variant Classification Criteria Version 2. Collection method: clinical testing. Allele origin: germline. Affected: yes. Observed: 2 variant alleles.
Comment: AHNAK2: BP4, BP7, BS2

NM_138420.4(AHNAK2):c.2418G>A (p.Pro806=)

Gene: AHNAK2 (AHNAK nucleoprotein 2; minus strand). Cytogenetic location: 14q32.33.
Variant type: single nucleotide variant.
Coding change: c.2418G>A on transcript NM_138420.4 (MANE Select); coding-DNA position 2418, G replaced by A.
Protein change: p.Pro806=; no amino-acid change (proline 806 retained).
Molecular consequence: synonymous variant.
Genome position (GRCh38, 1-based): chr14:104,953,033, C>T on the plus strand (G>A on the coding strand, the complement: AHNAK2 is on the minus strand). VCF-style: chr14-104953033-C-T. GRCh37 (hg19) VCF-style: chr14-105419370-C-T.
Other names: c.2118G>A, p.Pro706= (NM_001350929.2).
Identifiers: ClinVar variation 2644882 (VCV002644882.24), dbSNP rs200749098, ClinGen allele CA7383519.
Genomic context (GRCh38, chr14:104,953,033, plus strand): 5'-CACCTCCTTGTCGGCCAGGGACAGGTCCCCCTCCAGCCGCGCACCATCCAGCTTTGCTCT[C>T]GGGGCCTGGACGTCCACCTCCATGCTGGACAGAGACATCTTCACATCGGGGGCTGTCACT-3'
Protein context (NP_612429.2, residues 796-816): LSSMEVDVQA[Pro806=]RAKLDGARLE